The following is an entry in ClinVar:

ClinVar aggregate classification (germline): Uncertain significance. Review status: criteria provided, multiple submitters, no conflicts (2 of 4 stars). 2 submissions from 2 submitters: Uncertain significance (2). Last evaluated 2023-09-06.

Conditions:
Hajdu-Cheney syndrome (HJCYS). Also called: Acroosteolysis dominant type; ACROOSTEOLYSIS WITH OSTEOPOROSIS AND CHANGES IN SKULL AND MANDIBLE; SERPENTINE FIBULA-POLYCYSTIC KIDNEY SYNDROME. Identifiers: Orphanet 955, MedGen C0917715, MONDO:0007057, OMIM 102500.
NOTCH2-related disorder. Also called: NOTCH2-related condition.

gnomAD v4.1: 3 of 1,614,086 alleles (0.00019%); highest among the groups gnomAD compares: Non-Finnish European, 0.00025%; no homozygotes.

Submissions (2):

PreventionGenetics, part of Exact Sciences
Classification: Uncertain significance for NOTCH2-related condition. Last evaluated: 2023-09-06. Review status: criteria provided, single submitter. Criteria: ACMG Guidelines, 2015. Collection method: clinical testing. Allele origin: germline.
Comment: The NOTCH2 c.7159C>A variant is predicted to result in the amino acid substitution p.Pro2387Thr. To our knowledge, this variant has not been reported in the literature or in a large population database, indicating this variant is rare. At this time, the clinical significance of this variant is uncertain due to the absence of conclusive functional and genetic evidence.

Labcorp Genetics (formerly Invitae), Labcorp
Classification: Uncertain significance for Hajdu-Cheney syndrome. Last evaluated: 2023-07-09. Review status: criteria provided, single submitter. Criteria: Invitae Variant Classification Sherloc (09022015). Collection method: clinical testing. Allele origin: germline.
Comment: This variant is not present in population databases (gnomAD no frequency). ClinVar contains an entry for this variant (Variation ID: 2096763). This variant has not been reported in the literature in individuals affected with NOTCH2-related conditions. This sequence change replaces proline, which is neutral and non-polar, with threonine, which is neutral and polar, at codon 2387 of the NOTCH2 protein (p.Pro2387Thr). In summary, the available evidence is currently insufficient to determine the role of this variant in disease. Therefore, it has been classified as a Variant of Uncertain Significance. Advanced modeling of protein sequence and biophysical properties (such as structural, functional, and spatial information, amino acid conservation, physicochemical variation, residue mobility, and thermodynamic stability) performed at Invitae indicates that this missense variant is not expected to disrupt NOTCH2 protein function.

NM_024408.4(NOTCH2):c.7159C>A (p.Pro2387Thr)

Gene: NOTCH2 (notch receptor 2; minus strand). Cytogenetic location: 1p12.
Variant type: single nucleotide variant.
Coding change: c.7159C>A on transcript NM_024408.4 (MANE Select); coding-DNA position 7159, C replaced by A.
Protein change: p.Pro2387Thr; replaces proline 2387 with threonine.
Molecular consequence: missense variant.
Genome position (GRCh38, 1-based): chr1:119,915,563, G>T on the plus strand (C>A on the coding strand, the complement: NOTCH2 is on the minus strand). VCF-style: chr1-119915563-G-T. GRCh37 (hg19) VCF-style: chr1-120458186-G-T.
Other names: c.7159C>A (NM_024408.3); short protein forms P2387T.
Identifiers: ClinVar variation 2096763 (VCV002096763.5), dbSNP rs1193431892, ClinGen allele CA341873033.